The following is an entry in ClinVar:

NM_012479.4(YWHAG):c.541G>A (p.Val181Ile)

Gene: YWHAG (tyrosine 3-monooxygenase/tryptophan 5-monooxygenase activation protein gamma; minus strand). Cytogenetic location: 7q11.23.
Variant type: single nucleotide variant.
Coding change: c.541G>A on transcript NM_012479.4 (MANE Select); coding-DNA position 541, G replaced by A.
Protein change: p.Val181Ile; replaces valine 181 with isoleucine.
Molecular consequence: missense variant.
Genome position (GRCh38, 1-based): chr7:76,329,780, C>T on the plus strand (G>A on the coding strand, the complement: YWHAG is on the minus strand). VCF-style: chr7-76329780-C-T. GRCh37 (hg19) VCF-style: chr7-75959097-C-T.
Other names: short protein forms V181I.
Identifiers: ClinVar variation 2727085 (VCV002727085.4), dbSNP rs1803516636, ClinGen allele CA367776730.

ClinVar aggregate classification (germline): Uncertain significance. Review status: criteria provided, multiple submitters, no conflicts (2 of 4 stars). 2 submissions from 2 submitters: Uncertain significance (2). Last evaluated 2023-10-05.

Submissions (2):

Labcorp Genetics (formerly Invitae), Labcorp
Classification: Uncertain significance. Last evaluated: 2023-10-05. Review status: criteria provided, single submitter. Criteria: Invitae Variant Classification Sherloc (09022015). Collection method: clinical testing. Allele origin: germline.
Comment: This sequence change replaces valine, which is neutral and non-polar, with isoleucine, which is neutral and non-polar, at codon 181 of the YWHAG protein (p.Val181Ile). This variant is not present in population databases (gnomAD no frequency). This variant has not been reported in the literature in individuals affected with YWHAG-related conditions. Advanced modeling of protein sequence and biophysical properties (such as structural, functional, and spatial information, amino acid conservation, physicochemical variation, residue mobility, and thermodynamic stability) has been performed at Invitae for this missense variant, however the output from this modeling did not meet the statistical confidence thresholds required to predict the impact of this variant on YWHAG protein function. This variant disrupts the p.Val181 amino acid residue in YWHAG. Other variant(s) that disrupt this residue have been determined to be pathogenic (Invitae). This suggests that this residue is clinically significant, and that variants that disrupt this residue are likely to be disease-causing. In summary, the available evidence is currently insufficient to determine the role of this variant in disease. Therefore, it has been classified as a Variant of Uncertain Significance.

Blueprint Genetics
Classification: Uncertain significance. Last evaluated: 2023-04-14. Review status: criteria provided, single submitter. Criteria: ACMG Guidelines, 2015. Collection method: clinical testing. Allele origin: germline.